The following is an entry in ClinVar:

ClinVar aggregate classification (germline): Uncertain significance (1 of 4 stars; one submission).

Conditions:
EGFR-related lung cancer (EGFR). Identifiers: MedGen CN130014.

Allele frequency attached by ClinVar (database versions not stated): TOPMed below 0.00001.

Submission:

Labcorp Genetics (formerly Invitae), Labcorp
Classification: Uncertain significance for EGFR-related lung cancer. Last evaluated: 2025-03-17. Review status: criteria provided, single submitter. Criteria: Invitae Variant Classification Sherloc (09022015). Collection method: clinical testing. Allele origin: germline.
Comment: This sequence change replaces threonine, which is neutral and polar, with serine, which is neutral and polar, at codon 1131 of the EGFR protein (p.Thr1131Ser). This variant is not present in population databases (gnomAD no frequency). This variant has not been reported in the literature in individuals affected with EGFR-related conditions. ClinVar contains an entry for this variant (Variation ID: 933252). An algorithm developed to predict the effect of missense changes on protein structure and function outputs the following: PolyPhen-2: "Benign". The serine amino acid residue is found in multiple mammalian species, which suggests that this missense change does not adversely affect protein function. In summary, the available evidence is currently insufficient to determine the role of this variant in disease. Therefore, it has been classified as a Variant of Uncertain Significance.

NM_005228.5(EGFR):c.3392C>G (p.Thr1131Ser)

Gene: EGFR (epidermal growth factor receptor; plus strand). Cytogenetic location: 7p11.2.
Variant type: single nucleotide variant.
Coding change: c.3392C>G on transcript NM_005228.5 (MANE Select); coding-DNA position 3392, C replaced by G.
Protein change: p.Thr1131Ser; replaces threonine 1131 with serine.
Molecular consequence: missense variant.
Genome position (GRCh38, 1-based): chr7:55,205,376, C>G. VCF-style: chr7-55205376-C-G. GRCh37 (hg19) VCF-style: chr7-55273069-C-G.
Other names: c.3257C>G, p.Thr1086Ser (NM_001346899.2); c.3233C>G, p.Thr1078Ser (NM_001346900.2); c.2591C>G, p.Thr864Ser (NM_001346941.2); short protein forms T1131S, T864S, T1078S, T1086S.
Identifiers: ClinVar variation 933252 (VCV000933252.9), dbSNP rs1788067890, ClinGen allele CA367584521.
Genomic context (GRCh38, chr7:55,205,376, plus strand): 5'-ACAATCAGCCTCTGAACCCCGCGCCCAGCAGAGACCCACACTACCAGGACCCCCACAGCA[C>G]TGCAGTGGGCAACCCCGAGTATCTCAACACTGTCCAGCCCACCTGTGTCAACAGCACATT-3'
Protein context (NP_005219.2, residues 1121-1141): RDPHYQDPHS[Thr1131Ser]AVGNPEYLNT